The following is an entry in ClinVar:

ClinVar aggregate classification (germline): Benign/Likely benign. Review status: criteria provided, multiple submitters, no conflicts (2 of 4 stars). 6 submissions from 6 submitters: Benign (1); Likely benign (5). Last evaluated 2026-05-19.

Conditions:
Hereditary cancer-predisposing syndrome. Also called: Hereditary neoplastic syndrome; Tumor predisposition; Neoplastic Syndromes, Hereditary; Hereditary Cancer Syndrome. Identifiers: Orphanet 140162, MedGen C0027672, MeSH D009386, MONDO:0015356.
Neurofibromatosis, type 1 (NF1). Also called: Peripheral type neurofibromatosis; NEUROFIBROMATOSIS, TYPE I, SOMATIC; Neurofibromatosis, type I; VON RECKLINGHAUSEN DISEASE. Identifiers: Orphanet 636, MedGen C0027831, MONDO:0018975, OMIM 162200. Disease mechanism: loss of function.
Cardiovascular phenotype. Identifiers: MedGen CN230736.

Allele frequency attached by ClinVar (database versions not stated): gnomAD exomes below 0.00001 and 0.00001; TOPMed below 0.00001; ExAC 0.00001.
gnomAD v4.1: 12 of 1,613,828 alleles (0.00074%); highest among the groups gnomAD compares: Non-Finnish European, 0.00042%; no homozygotes.

Submissions (6):

Myriad Genetics, Inc.
Classification: Benign for Neurofibromatosis, type 1. Last evaluated: 2026-05-19. Review status: criteria provided, single submitter. Criteria: Myriad Autosomal Dominant, Autosomal Recessive and X-Linked Classification Criteria (2023). Collection method: clinical testing. Allele origin: unknown.
Comment: This variant is considered benign. This variant is a silent/synonymous amino acid change and it is not expected to impact splicing.

Institute for Biomarker Research, Medical Diagnostic Laboratories, L.L.C.
Classification: Likely benign for Hereditary cancer-predisposing syndrome. Last evaluated: 2025-11-24. Review status: criteria provided, single submitter. Criteria: ACMG Guidelines, 2015. Collection method: clinical testing. Allele origin: germline.
Comment: The synonymous variant NM_000267.3(NF1):c.4242C>T (p.Ile1414=) has been reported to ClinVar as Likely benign with a status of (2 stars) criteria provided, multiple submitters, no conflicts (Accession: VCV000527680.14). The p.Ile1414= variant is observed in 1/10,078 (0.0099%) alleles from individuals of gnomAD Ashkenazi Jewish background in gnomAD. The p.Ile1414= variant is novel (not in any individuals) in 1kG. The p.Ile1414= variant is not predicted to disrupt an existing splice site. The p.Ile1414= variant results in a substitution of a base that is not predicted conserved by GERP++ and PhyloP. For these reasons, this variant has been classified as Likely Benign.

Labcorp Genetics (formerly Invitae), Labcorp
Classification: Likely benign for Neurofibromatosis, type 1. Last evaluated: 2025-11-03. Review status: criteria provided, single submitter. Criteria: Invitae Variant Classification Sherloc (09022015). Collection method: clinical testing. Allele origin: germline.

Blueprint Genetics
Classification: Likely benign. Last evaluated: 2022-07-26. Review status: criteria provided, single submitter. Criteria: ACMG Guidelines, 2015. Collection method: clinical testing. Allele origin: germline.

Genome-Nilou Lab
Classification: Likely benign for Neurofibromatosis, type 1. Last evaluated: 2022-03-15. Review status: criteria provided, single submitter. Criteria: ACMG Guidelines, 2015. Collection method: clinical testing. Allele origin: germline. Affected: no.

Ambry Genetics
Classification: Likely benign for Cardiovascular phenotype; Hereditary cancer-predisposing syndrome. Last evaluated: 2017-02-17. Review status: criteria provided, single submitter. Criteria: Ambry Variant Classification Scheme 2023. Collection method: clinical testing. Allele origin: germline.

NM_001042492.3(NF1):c.4305C>T (p.Ile1435=)

Gene: NF1 (neurofibromin 1; plus strand). Cytogenetic location: 17q11.2.
Variant type: single nucleotide variant.
Coding change: c.4305C>T on transcript NM_001042492.3 (MANE Select); coding-DNA position 4305, C replaced by T.
Protein change: p.Ile1435=; no amino-acid change (isoleucine 1435 retained).
Molecular consequence: synonymous variant.
Genome position (GRCh38, 1-based): chr17:31,258,475, C>T. VCF-style: chr17-31258475-C-T. GRCh37 (hg19) VCF-style: chr17-29585493-C-T.
Other names: c.4242C>T, p.Ile1414= (NM_000267.4).
Identifiers: ClinVar variation 527680 (VCV000527680.18), dbSNP rs779865988, ClinGen allele CA8486374.